The following is an entry in ClinVar:

NM_000719.7(CACNA1C):c.1577T>C (p.Phe526Ser)

Gene: CACNA1C (calcium voltage-gated channel subunit alpha1 C; plus strand). Cytogenetic location: 12p13.33.
Variant type: single nucleotide variant.
Coding change: c.1577T>C on transcript NM_000719.7 (MANE Select); coding-DNA position 1577, T replaced by C.
Protein change: p.Phe526Ser; replaces phenylalanine 526 with serine.
Molecular consequence: missense variant.
Genome position (GRCh38, 1-based): chr12:2,566,490, T>C. VCF-style: chr12-2566490-T-C. GRCh37 (hg19) VCF-style: chr12-2675656-T-C.
Other names: c.1577T>C, p.Phe526Ser (NM_199460.4, NM_001129827.2, NM_001129829.2 and 18 more transcripts); c.1568T>C, p.Phe523Ser (NM_001129844.2); short protein forms F523S, F526S.
Identifiers: ClinVar variation 4882843 (VCV004882843.2).

ClinVar aggregate classification (germline): Uncertain significance (1 of 4 stars; one submission).

Submission:

Dasa
Classification: Uncertain significance. Last evaluated: 2025-05-13. Review status: criteria provided, single submitter. Criteria: DASA Assertion Criteria. Collection method: clinical testing. Allele origin: germline.
Comment: NM_000719.7(CACNA1C):c.1577T>C (p.Phe526Ser) is a missense variant that results in the substitution of phenylalanine with serine. This variant is absent from population databases. Computational prediction algorithms are consistent with a deleterious effect. The currently available literature and clinical evidence are not sufficient to establish a definitive association between this variant and the reported condition. Therefore, this variant is classified as a variant of uncertain significance.